The following is an entry in ClinVar:

NM_001365276.2(TNXB):c.680G>A (p.Arg227His)

Gene: TNXB (tenascin XB; minus strand). Cytogenetic location: 6p21.33.
Variant type: single nucleotide variant.
Coding change: c.680G>A on transcript NM_001365276.2 (MANE Select); coding-DNA position 680, G replaced by A.
Protein change: p.Arg227His; replaces arginine 227 with histidine.
Molecular consequence: missense variant.
Genome position (GRCh38, 1-based): chr6:32,097,173, C>T on the plus strand (G>A on the coding strand, the complement: TNXB is on the minus strand). VCF-style: chr6-32097173-C-T. GRCh37 (hg19) VCF-style: chr6-32064950-C-T.
Other names: c.680G>A, p.Arg227His (NM_019105.8); short protein forms R227H.
Identifiers: ClinVar variation 1302439 (VCV001302439.5), dbSNP rs750943669, ClinGen allele CA3735809.

ClinVar aggregate classification (germline): Uncertain significance. Review status: criteria provided, multiple submitters, no conflicts (2 of 4 stars). 2 submissions from 2 submitters: Uncertain significance (2). Last evaluated 2025-10-17.

Conditions:
Cardiovascular phenotype. Identifiers: MedGen CN230736.

Allele frequency attached by ClinVar (database versions not stated): gnomAD 0.00001; gnomAD exomes 0.00002 and 0.00001.
gnomAD v4.1: 27 of 1,595,800 alleles (0.0017%); highest among the groups gnomAD compares: Non-Finnish European, 0.002%; no homozygotes.

Submissions (2):

Ambry Genetics
Classification: Uncertain significance for Cardiovascular phenotype. Last evaluated: 2025-10-17. Review status: criteria provided, single submitter. Criteria: Ambry Variant Classification Scheme 2023. Collection method: clinical testing. Allele origin: germline.

GeneDx
Classification: Uncertain significance. Last evaluated: 2024-06-13. Review status: criteria provided, single submitter. Criteria: GeneDx Variant Classification Process June 2021. Collection method: clinical testing. Allele origin: germline. Affected: yes.
Comment: Has not been previously published as pathogenic or benign to our knowledge; Not observed at significant frequency in large population cohorts (gnomAD); In silico analysis supports that this missense variant has a deleterious effect on protein structure/function